The following is an entry in ClinVar:

ClinVar aggregate classification (germline): Conflicting classifications of pathogenicity. Review status: criteria provided, conflicting classifications (1 of 4 stars). 3 submissions from 3 submitters: Uncertain significance (2); Likely benign (1). Last evaluated 2025-02-18.

Conditions:
Inborn genetic diseases. Identifiers: MedGen C0950123, MeSH D030342.
Acute myeloid leukemia (AML). Also called: Acute myeloid leukemia, adult; AML adult; Acute non-lymphocytic leukemia; Acute granulocytic leukemia; Leukemia, acute myeloid, somatic; Leukemia, acute myelogenous, somatic. Identifiers: Orphanet 519, MedGen C0023467, MeSH D015470, MONDO:0018874, OMIM 601626, HP:0004808. Disease mechanism: Constitutively activated FLT3.

Allele frequency attached by ClinVar (database versions not stated): TOPMed 0.00001.
gnomAD v4.1: 6 of 1,306,296 alleles (0.00046%); highest among the groups gnomAD compares: African/African-American, 0.0016%; no homozygotes.

Submissions (3):

Ambry Genetics
Classification: Likely benign for Inborn genetic diseases. Last evaluated: 2025-02-18. Review status: criteria provided, single submitter. Criteria: Ambry Variant Classification Scheme 2023. Collection method: clinical testing. Allele origin: germline.

Labcorp Genetics (formerly Invitae), Labcorp
Classification: Uncertain significance for Acute myeloid leukemia. Last evaluated: 2024-05-07. Review status: criteria provided, single submitter. Criteria: Invitae Variant Classification Sherloc (09022015). Collection method: clinical testing. Allele origin: germline.
Comment: This sequence change replaces proline, which is neutral and non-polar, with glutamine, which is neutral and polar, at codon 14 of the CEBPA protein (p.Pro14Gln). This variant is not present in population databases (gnomAD no frequency). This variant has not been reported in the literature in individuals affected with CEBPA-related conditions. ClinVar contains an entry for this variant (Variation ID: 664877). Advanced modeling of protein sequence and biophysical properties (such as structural, functional, and spatial information, amino acid conservation, physicochemical variation, residue mobility, and thermodynamic stability) performed at Invitae indicates that this missense variant is not expected to disrupt CEBPA protein function with a negative predictive value of 80%. In summary, the available evidence is currently insufficient to determine the role of this variant in disease. Therefore, it has been classified as a Variant of Uncertain Significance.

GeneDx
Classification: Uncertain significance. Last evaluated: 2022-06-25. Review status: criteria provided, single submitter. Criteria: GeneDx Variant Classification Process June 2021. Collection method: clinical testing. Allele origin: germline. Affected: yes.
Comment: Not observed at significant frequency in large population cohorts (gnomAD); In silico analysis supports that this missense variant does not alter protein structure/function; Has not been previously published as pathogenic or benign to our knowledge

NM_004364.5(CEBPA):c.41C>A (p.Pro14Gln)

Genes: CEBPA (CCAAT enhancer binding protein alpha; minus strand), LOC130064183 (ATAC-STARR-seq lymphoblastoid silent region 10495; plus strand). Cytogenetic location: 19q13.11.
Variant type: single nucleotide variant.
Coding change: c.41C>A on transcript NM_004364.5 (MANE Select); coding-DNA position 41, C replaced by A.
Protein change: p.Pro14Gln; replaces proline 14 with glutamine.
Molecular consequence: missense variant. On other transcripts: 5 prime UTR variant (2).
Genome position (GRCh38, 1-based): chr19:33,302,374, G>T on the plus strand (C>A on the coding strand, the complement: CEBPA is on the minus strand). VCF-style: chr19-33302374-G-T. GRCh37 (hg19) VCF-style: chr19-33793280-G-T.
Other names: c.-317C>A (NM_001285829.2); c.146C>A, p.Pro49Gln (NM_001287424.2); c.-2C>A (NM_001287435.2); short protein forms P14Q, P49Q.
Identifiers: ClinVar variation 664877 (VCV000664877.11), dbSNP rs1007915253, ClinGen allele CA307844456.
Genomic context (GRCh38, chr19:33,302,374, plus strand): 5'-GGAAAGCCGAAGGCGGCGCTGCTGGGCGCGTGCGGGGGGCTCTGCAGGTGGCTGCTCATC[G>T]GGGGCCGCGGCTCCGCCTCGTAGAAGTCGGCCGACTCCATGGGGGAGTTAGAGTTCTCCC-3'
Protein context (NP_004355.2, residues 4-24): ADFYEAEPRP[Pro14Gln]MSSHLQSPPH